The following is an entry in ClinVar:

ClinVar aggregate classification (germline): Uncertain significance. Review status: criteria provided, multiple submitters, no conflicts (2 of 4 stars). 2 submissions from 2 submitters: Uncertain significance (2). Last evaluated 2026-01-22.

Conditions:
Hereditary cancer-predisposing syndrome. Also called: Tumor predisposition; Hereditary neoplastic syndrome; Neoplastic Syndromes, Hereditary; Hereditary Cancer Syndrome. Identifiers: Orphanet 140162, MedGen C0027672, MeSH D009386, MONDO:0015356.
Tuberous sclerosis 2 (TSC2). Identifiers: Orphanet 805, MedGen C1860707, MONDO:0013199, OMIM 613254.

Allele frequency attached by ClinVar (database versions not stated): gnomAD 0.00001.
gnomAD v4.1: 1 of 1,613,530 alleles (0.000062%); highest among the groups gnomAD compares: Admixed American, 0.0017%; no homozygotes.

Submissions (2):

Labcorp Genetics (formerly Invitae), Labcorp
Classification: Uncertain significance for Tuberous sclerosis 2. Last evaluated: 2026-01-22. Review status: criteria provided, single submitter. Criteria: Invitae Variant Classification Sherloc (09022015). Collection method: clinical testing. Allele origin: germline.
Comment: This sequence change replaces leucine, which is neutral and non-polar, with glutamine, which is neutral and polar, at codon 747 of the TSC2 protein (p.Leu747Gln). This variant is not present in population databases (gnomAD no frequency). This variant has not been reported in the literature in individuals affected with TSC2-related conditions. ClinVar contains an entry for this variant (Variation ID: 2560715). Invitae Evidence Modeling of protein sequence and biophysical properties (such as structural, functional, and spatial information, amino acid conservation, physicochemical variation, residue mobility, and thermodynamic stability) indicates that this missense variant is not expected to disrupt TSC2 protein function with a negative predictive value of 95%. In summary, the available evidence is currently insufficient to determine the role of this variant in disease. Therefore, it has been classified as a Variant of Uncertain Significance.

Ambry Genetics
Classification: Uncertain significance for Hereditary cancer-predisposing syndrome. Last evaluated: 2023-04-18. Review status: criteria provided, single submitter. Criteria: Ambry Variant Classification Scheme 2023. Collection method: clinical testing. Allele origin: germline.
Comment: The p.L747Q variant (also known as c.2240T>A), located in coding exon 20 of the TSC2 gene, results from a T to A substitution at nucleotide position 2240. The leucine at codon 747 is replaced by glutamine, an amino acid with dissimilar properties. This amino acid position is conserved. In addition, the in silico prediction for this alteration is inconclusive. Since supporting evidence is limited at this time, the clinical significance of this alteration remains unclear.

NM_000548.5(TSC2):c.2240T>A (p.Leu747Gln)

Gene: TSC2 (TSC complex subunit 2; plus strand). Cytogenetic location: 16p13.3.
Variant type: single nucleotide variant.
Coding change: c.2240T>A on transcript NM_000548.5 (MANE Select); coding-DNA position 2240, T replaced by A.
Protein change: p.Leu747Gln; replaces leucine 747 with glutamine.
Molecular consequence: missense variant. On other transcripts: non-coding transcript variant (5).
Genome position (GRCh38, 1-based): chr16:2,072,868, T>A. VCF-style: chr16-2072868-T-A. GRCh37 (hg19) VCF-style: chr16-2122869-T-A.
Other names: c.1640T>A, p.Leu547Gln (NM_001406680.1, NM_001406682.1, NM_001406683.1 and 6 more transcripts); c.1778T>A, p.Leu593Gln (NM_001406681.1); c.896T>A, p.Leu299Gln (NM_001406689.1, NM_001406690.1, NM_001406691.1 and 6 more transcripts); c.2240T>A, p.Leu747Gln (NM_001077183.3, NM_001114382.3, NM_001363528.2 and 6 more transcripts); c.2129T>A, p.Leu710Gln (NM_001318827.2, NM_001406670.1, NM_001406678.1); c.2093T>A, p.Leu698Gln (NM_001318829.2, NM_001406675.1, NM_001406676.1 and 1 more transcripts); c.2273T>A, p.Leu758Gln (NM_001318832.2); c.2330T>A, p.Leu777Gln (NM_001406667.1, NM_001406668.1); and 3 more; short protein forms L213Q, L547Q, L710Q, L743Q, L593Q, L299Q, L758Q, L698Q.
Identifiers: ClinVar variation 2560715 (VCV002560715.3), dbSNP rs2543762052, ClinGen allele CA394276281.